The following is an entry in ClinVar:

NM_000171.4(GLRA1):c.286T>C (p.Trp96Arg)

Gene: GLRA1 (glycine receptor alpha 1; minus strand). Cytogenetic location: 5q33.1.
Variant type: single nucleotide variant.
Coding change: c.286T>C on transcript NM_000171.4 (MANE Select); coding-DNA position 286, T replaced by C.
Protein change: p.Trp96Arg; replaces tryptophan 96 with arginine.
Molecular consequence: missense variant.
Genome position (GRCh38, 1-based): chr5:151,859,975, A>G on the plus strand (T>C on the coding strand, the complement: GLRA1 is on the minus strand). VCF-style: chr5-151859975-A-G. GRCh37 (hg19) VCF-style: chr5-151239536-A-G.
Other names: c.286T>C, p.Trp96Arg (NM_001146040.2); c.37T>C, p.Trp13Arg (NM_001292000.2); short protein forms W96R, W13R.
Identifiers: ClinVar variation 1395801 (VCV001395801.6), dbSNP rs2113359417, ClinGen allele CA361842161.

ClinVar aggregate classification (germline): Uncertain significance (1 of 4 stars; one submission).

Conditions:
Hereditary hyperekplexia. Identifiers: Orphanet 3197, MedGen C4084968, MONDO:0021022.

Allele frequency attached by ClinVar (database versions not stated): gnomAD exomes below 0.00001.
gnomAD v4.1: 1 of 1,614,058 alleles (0.000062%); highest among the groups gnomAD compares: Non-Finnish European, 0.000085%; no homozygotes.

Submission:

Labcorp Genetics (formerly Invitae), Labcorp
Classification: Uncertain significance for Hereditary hyperekplexia. Last evaluated: 2024-10-23. Review status: criteria provided, single submitter. Criteria: Invitae Variant Classification Sherloc (09022015). Collection method: clinical testing. Allele origin: germline.
Comment: This sequence change replaces tryptophan, which is neutral and slightly polar, with arginine, which is basic and polar, at codon 96 of the GLRA1 protein (p.Trp96Arg). This variant is not present in population databases (gnomAD no frequency). This variant has not been reported in the literature in individuals affected with GLRA1-related conditions. ClinVar contains an entry for this variant (Variation ID: 1395801). Invitae Evidence Modeling of protein sequence and biophysical properties (such as structural, functional, and spatial information, amino acid conservation, physicochemical variation, residue mobility, and thermodynamic stability) indicates that this missense variant is expected to disrupt GLRA1 protein function with a positive predictive value of 80%. In summary, the available evidence is currently insufficient to determine the role of this variant in disease. Therefore, it has been classified as a Variant of Uncertain Significance.